The following is an entry in ClinVar:

NM_017433.5(MYO3A):c.4048G>A (p.Ala1350Thr)

Gene: MYO3A (myosin IIIA; plus strand). Cytogenetic location: 10p12.1.
Variant type: single nucleotide variant.
Coding change: c.4048G>A on transcript NM_017433.5 (MANE Select); coding-DNA position 4048, G replaced by A.
Protein change: p.Ala1350Thr; replaces alanine 1350 with threonine.
Molecular consequence: missense variant.
Genome position (GRCh38, 1-based): chr10:26,174,312, G>A. VCF-style: chr10-26174312-G-A. GRCh37 (hg19) VCF-style: chr10-26463241-G-A.
Other names: short protein forms A1350T.
Identifiers: ClinVar variation 2815255 (VCV002815255.3), dbSNP rs1429902577, ClinGen allele CA376340599.

ClinVar aggregate classification (germline): Uncertain significance (1 of 4 stars; one submission).

Allele frequency attached by ClinVar (database versions not stated): gnomAD exomes 0.00001.
gnomAD v4.1: 13 of 1,614,154 alleles (0.00081%); highest among the groups gnomAD compares: Non-Finnish European, 0.001%; no homozygotes.

Submission:

Labcorp Genetics (formerly Invitae), Labcorp
Classification: Uncertain significance. Last evaluated: 2025-06-13. Review status: criteria provided, single submitter. Criteria: Invitae Variant Classification Sherloc (09022015). Collection method: clinical testing. Allele origin: germline.
Comment: This sequence change replaces alanine, which is neutral and non-polar, with threonine, which is neutral and polar, at codon 1350 of the MYO3A protein (p.Ala1350Thr). This variant is not present in population databases (gnomAD no frequency). This variant has not been reported in the literature in individuals affected with MYO3A-related conditions. ClinVar contains an entry for this variant (Variation ID: 2815255). Invitae Evidence Modeling of protein sequence and biophysical properties (such as structural, functional, and spatial information, amino acid conservation, physicochemical variation, residue mobility, and thermodynamic stability) indicates that this missense variant is not expected to disrupt MYO3A protein function with a negative predictive value of 80%. In summary, the available evidence is currently insufficient to determine the role of this variant in disease. Therefore, it has been classified as a Variant of Uncertain Significance.